The following is an entry in ClinVar:

ClinVar aggregate classification (germline): Likely benign. Review status: criteria provided, multiple submitters, no conflicts (2 of 4 stars). 2 submissions from 2 submitters: Likely benign (2). Last evaluated 2025-12-15.

Conditions:
MYO5B-related disorder. Also called: MYO5B-related condition.

Allele frequency attached by ClinVar (database versions not stated): gnomAD 0.00001; gnomAD exomes 0.00001 and 0.00004; TOPMed 0.00002; ExAC 0.00006.
gnomAD v4.1: 22 of 1,613,980 alleles (0.0014%); highest among the groups gnomAD compares: Non-Finnish European, 0.0018%; no homozygotes.

Submissions (2):

Labcorp Genetics (formerly Invitae), Labcorp
Classification: Likely benign. Last evaluated: 2025-12-15. Review status: criteria provided, single submitter. Criteria: Invitae Variant Classification Sherloc (09022015). Collection method: clinical testing. Allele origin: germline.

PreventionGenetics, part of Exact Sciences
Classification: Likely benign for MYO5B-related condition. Last evaluated: 2025-02-05. Review status: criteria provided, single submitter. Criteria: ACMG Guidelines, 2015. Collection method: clinical testing. Allele origin: germline.
Comment: This variant is classified as likely benign based on ACMG/AMP sequence variant interpretation guidelines (Richards et al. 2015 PMID: 25741868, with internal and published modifications).

NM_001080467.3(MYO5B):c.3478A>C (p.Arg1160=)

Gene: MYO5B (myosin VB; minus strand). Cytogenetic location: 18q21.1.
Variant type: single nucleotide variant.
Coding change: c.3478A>C on transcript NM_001080467.3 (MANE Select); coding-DNA position 3478, A replaced by C.
Protein change: p.Arg1160=; no amino-acid change (arginine 1160 retained).
Molecular consequence: synonymous variant.
Genome position (GRCh38, 1-based): chr18:49,875,746, T>G on the plus strand (A>C on the coding strand, the complement: MYO5B is on the minus strand). VCF-style: chr18-49875746-T-G. GRCh37 (hg19) VCF-style: chr18-47402116-T-G.
Identifiers: ClinVar variation 792171 (VCV000792171.9), dbSNP rs776648627, ClinGen allele CA8960710.